The following is an entry in ClinVar:

NM_025215.6(PUS1):c.871A>T (p.Met291Leu)

Gene: PUS1 (pseudouridine synthase 1; plus strand). Cytogenetic location: 12q24.33.
Variant type: single nucleotide variant.
Coding change: c.871A>T on transcript NM_025215.6 (MANE Select); coding-DNA position 871, A replaced by T.
Protein change: p.Met291Leu; replaces methionine 291 with leucine.
Molecular consequence: missense variant.
Genome position (GRCh38, 1-based): chr12:131,941,618, A>T. VCF-style: chr12-131941618-A-T. GRCh37 (hg19) VCF-style: chr12-132426163-A-T.
Other names: c.787A>T, p.Met263Leu (NM_001002019.3, NM_001002020.3); short protein forms M263L, M291L.
Identifiers: ClinVar variation 4752001 (VCV004752001.1).

ClinVar aggregate classification (germline): Uncertain significance (1 of 4 stars; one submission).

gnomAD v4.1: 5 of 1,614,200 alleles (0.00031%); highest among the groups gnomAD compares: Admixed American, 0.0067%; no homozygotes.

Submission:

Labcorp Genetics (formerly Invitae), Labcorp
Classification: Uncertain significance. Last evaluated: 2025-11-04. Review status: criteria provided, single submitter. Criteria: Invitae Variant Classification Sherloc (09022015). Collection method: clinical testing. Allele origin: germline.
Comment: This sequence change replaces methionine, which is neutral and non-polar, with leucine, which is neutral and non-polar, at codon 291 of the PUS1 protein (p.Met291Leu). This variant is present in population databases (rs779733496, gnomAD 0.01%). This variant has not been reported in the literature in individuals affected with PUS1-related conditions. Invitae Evidence Modeling of protein sequence and biophysical properties (such as structural, functional, and spatial information, amino acid conservation, physicochemical variation, residue mobility, and thermodynamic stability) indicates that this missense variant is not expected to disrupt PUS1 protein function with a negative predictive value of 80%. In summary, the available evidence is currently insufficient to determine the role of this variant in disease. Therefore, it has been classified as a Variant of Uncertain Significance.